The following is an entry in ClinVar:

NM_000937.5(POLR2A):c.3778C>T (p.Arg1260Cys)

Gene: POLR2A (RNA polymerase II subunit A; plus strand). Cytogenetic location: 17p13.1.
Variant type: single nucleotide variant.
Coding change: c.3778C>T on transcript NM_000937.5 (MANE Select); coding-DNA position 3778, C replaced by T.
Protein change: p.Arg1260Cys; replaces arginine 1260 with cysteine.
Molecular consequence: missense variant.
Genome position (GRCh38, 1-based): chr17:7,509,597, C>T. VCF-style: chr17-7509597-C-T. GRCh37 (hg19) VCF-style: chr17-7412916-C-T.
Other names: short protein forms R1260C.
Identifiers: ClinVar variation 3370324 (VCV003370324.1).

ClinVar aggregate classification (germline): Uncertain significance (1 of 4 stars; one submission).

Conditions:
Neurodevelopmental disorder with hypotonia and variable intellectual and behavioral abnormalities. Identifiers: MedGen C5231423, MONDO:0032829, OMIM 618603.

Submission:

MVZ Medizinische Genetik Mainz
Classification: Uncertain significance for Neurodevelopmental disorder with hypotonia and variable intellectual and behavioral abnormalities. Last evaluated: 2024-09-27. Review status: criteria provided, single submitter. Criteria: UK Practice Guidelines For Variant Classification V4 01 2020. Collection method: clinical testing. Allele origin: germline. Inheritance: Autosomal dominant inheritance. Affected: yes. Observed: 1 variant allele.
Comment: ACMG Criteria: PM2_SUP,PP2,PP3